The following is an entry in ClinVar:

ClinVar aggregate classification (germline): Benign/Likely benign. Review status: criteria provided, multiple submitters, no conflicts (2 of 4 stars). 2 submissions from 2 submitters: Benign (1); Likely benign (1). Last evaluated 2024-08-22.

Conditions:
Hereditary cancer-predisposing syndrome. Also called: Neoplastic Syndromes, Hereditary; Tumor predisposition; Hereditary neoplastic syndrome; Hereditary Cancer Syndrome. Identifiers: Orphanet 140162, MedGen C0027672, MeSH D009386, MONDO:0015356.
Familial cancer of breast. Also called: BREAST CANCER, FAMILIAL; Hereditary breast cancer; hereditary breast carcinoma. Identifiers: Orphanet 227535, MedGen C0346153, MONDO:0016419, OMIM 114480. Disease mechanism: loss of function.

Submissions (2):

Myriad Genetics, Inc.
Classification: Benign for Familial cancer of breast. Last evaluated: 2024-08-22. Review status: criteria provided, single submitter. Criteria: Myriad Autosomal Dominant, Autosomal Recessive and X-Linked Classification Criteria (2023). Collection method: clinical testing. Allele origin: unknown.
Comment: This variant is considered benign. This variant is a silent/synonymous amino acid change and it is not expected to impact splicing.

Ambry Genetics
Classification: Likely benign for Hereditary cancer-predisposing syndrome. Last evaluated: 2024-01-11. Review status: criteria provided, single submitter. Criteria: Ambry Variant Classification Scheme 2023. Collection method: clinical testing. Allele origin: germline.

NM_032043.3(BRIP1):c.693T>C (p.Asn231=)

Gene: BRIP1 (BRCA1 interacting DNA helicase 1; minus strand). Cytogenetic location: 17q23.2.
Variant type: single nucleotide variant.
Coding change: c.693T>C on transcript NM_032043.3 (MANE Select); coding-DNA position 693, T replaced by C.
Protein change: p.Asn231=; no amino-acid change (asparagine 231 retained).
Molecular consequence: synonymous variant.
Genome position (GRCh38, 1-based): chr17:61,808,692, A>G on the plus strand (T>C on the coding strand, the complement: BRIP1 is on the minus strand). VCF-style: chr17-61808692-A-G. GRCh37 (hg19) VCF-style: chr17-59886053-A-G.
Identifiers: ClinVar variation 3228143 (VCV003228143.2), dbSNP rs2145420920, ClinGen allele CA501335703.
Genomic context (GRCh38, chr17:61,808,692, plus strand): 5'-GCGTGTCCCAAAATATATTTTGGGTATCTTGGATTTCCCTGTATGATCCTTCTTAATGGT[A>G]TTCGATGACTCTTGACTGTTTCCTTGTTTAGTAGAACAACAGCACCTAGAACAGTGGCCA-3'
Protein context (NP_114432.2, residues 221-241): TKQGNSQESS[Asn231=]TIKKDHTGKS